The following is an entry in ClinVar:

ClinVar aggregate classification (germline): Pathogenic (1 of 4 stars; one submission).

Conditions:
Cryptosporidiosis-chronic cholangitis-liver disease syndrome. Also called: Immunodeficiency type 56; IL21R immunodeficiency. Identifiers: Orphanet 357329, MedGen C3554687, MONDO:0014082, OMIM 615207.

Submission:

3billion
Classification: Pathogenic for Cryptosporidiosis-chronic cholangitis-liver disease syndrome. Last evaluated: 2024-06-27. Review status: criteria provided, single submitter. Criteria: ACMG Guidelines, 2015. Collection method: clinical testing. Allele origin: germline. Affected: yes.
Comment: The variant is not observed in the gnomAD v4.0.0 dataset. Predicted Consequence/Location: Canonical splice site: predicted to alter splicing and result in a loss or disruption of normal protein function. Multiple pathogenic loss-of-function variants are reported downstream of the variant. Therefore, this variant is classified as Pathogenic according to the recommendation of ACMG/AMP guideline.

NM_181078.3(IL21R):c.503_507+3del

Gene: IL21R (interleukin 21 receptor; plus strand). Cytogenetic location: 16p12.1.
Variant type: Deletion.
Coding change: c.503_507+3del on transcript NM_181078.3 (MANE Select); coding-DNA position 503 through 3 bases into the intron after coding-DNA position 507, 8 bases deleted (CTGTGGTG; older notation c.503_507+3delCTGTGGTG).
Molecular consequence: splice donor variant.
Genome position (GRCh38, 1-based): chr16:27,443,112-27,443,119, CTGTGGTG deleted; deleting any 8 consecutive bases within chr16:27,443,111-27,443,119 gives the same sequence; the c. name uses the placement nearest the transcript's 3' end. VCF-style (leftmost placement, unchanged base first): chr16-27443110-GGCTGTGGT-G. GRCh37 (hg19) VCF-style: chr16-27454431-GGCTGTGGT-G.
Other names: c.569_573+3del (NM_181079.5); c.503_507+3del (NM_021798.4).
Identifiers: ClinVar variation 4293560 (VCV004293560.1).
Genomic context (GRCh38, chr16:27,443,110, plus strand): 5'-CTACATGCTGAAGGGCAAGCTTCAGTATGAGCTGCAGTACAGGAACCGGGGAGACCCCTG[GGCTGTGGT>G]GAGGAATGTGGGGATCAGTGCAGCTTTGTGGGAGGGGAGGGGAGATGACGGAGTGCAAAG-3'